The following is an entry in ClinVar:

NM_006254.4(PRKCD):c.1184T>C (p.Met395Thr)

Gene: PRKCD (protein kinase C delta; plus strand). Cytogenetic location: 3p21.1.
Variant type: single nucleotide variant.
Coding change: c.1184T>C on transcript NM_006254.4 (MANE Select); coding-DNA position 1184, T replaced by C.
Protein change: p.Met395Thr; replaces methionine 395 with threonine.
Molecular consequence: missense variant.
Genome position (GRCh38, 1-based): chr3:53,186,264, T>C. VCF-style: chr3-53186264-T-C. GRCh37 (hg19) VCF-style: chr3-53220280-T-C.
Other names: c.1184T>C, p.Met395Thr (NM_001316327.2, NM_001354679.2, NM_001354680.2 and 1 more transcripts); c.1241T>C, p.Met414Thr (NM_001354676.2); c.1232T>C, p.Met411Thr (NM_001354678.2); short protein forms M395T, M411T, M414T.
Identifiers: ClinVar variation 1024204 (VCV001024204.5), dbSNP rs1010140622, ClinGen allele CA74814275.

ClinVar aggregate classification (germline): Uncertain significance (1 of 4 stars; one submission).

Conditions:
Autoimmune lymphoproliferative syndrome, type III caused by mutation in PRKCD. Identifiers: Orphanet 3261, Orphanet 664711, MedGen C3809928, MONDO:8000024, OMIM 615559.

Allele frequency attached by ClinVar (database versions not stated): gnomAD exomes below 0.00001; gnomAD 0.00001; TOPMed 0.00001.
gnomAD v4.1: 1 of 1,614,056 alleles (0.000062%); highest among the groups gnomAD compares: African/African-American, 0.0013%; no homozygotes.

Submission:

Labcorp Genetics (formerly Invitae), Labcorp
Classification: Uncertain significance for Autoimmune lymphoproliferative syndrome, type III caused by mutation in PRKCD. Last evaluated: 2020-04-06. Review status: criteria provided, single submitter. Criteria: Invitae Variant Classification Sherloc (09022015). Collection method: clinical testing. Allele origin: germline.
Comment: In summary, the available evidence is currently insufficient to determine the role of this variant in disease. Therefore, it has been classified as a Variant of Uncertain Significance. Algorithms developed to predict the effect of missense changes on protein structure and function (SIFT, PolyPhen-2, Align-GVGD) all suggest that this variant is likely to be disruptive, but these predictions have not been confirmed by published functional studies and their clinical significance is uncertain. This variant has not been reported in the literature in individuals with PRKCD-related conditions. This variant is not present in population databases (ExAC no frequency). This sequence change replaces methionine with threonine at codon 395 of the PRKCD protein (p.Met395Thr). The methionine residue is highly conserved and there is a moderate physicochemical difference between methionine and threonine.